The following is an entry in ClinVar:

ClinVar aggregate classification (germline): Uncertain significance. Review status: criteria provided, single submitter (1 of 4 stars). 2 submissions from 2 submitters: Uncertain significance (1). 1 of the submissions does not count toward it. Last evaluated 2020-06-01.

Conditions:
Autosomal recessive nonsyndromic hearing loss 77. Identifiers: Orphanet 90636, MedGen C2746083, MONDO:0013119, OMIM 613079.

Allele frequency attached by ClinVar (database versions not stated): gnomAD exomes 0.00001 and 0.00003; gnomAD 0.00002; TOPMed 0.00002.
gnomAD v4.1: 39 of 1,551,458 alleles (0.0025%); highest among the groups gnomAD compares: Non-Finnish European, 0.0032%; no homozygotes.

Submissions (2):

Laboratory for Molecular Medicine, Mass General Brigham Personalized Medicine
Classification: Uncertain significance. Last evaluated: 2020-06-01. Review status: criteria provided, single submitter. Criteria: LMM Criteria. Collection method: clinical testing. Allele origin: germline. Observed: 1 variant allele.
Comment: The p.Val2177Ala variant in LOXHD1 has not been previously reported in individuals with hearing loss, but was identified in 0.002% (1/59902) of European chromosomes by gnomAD. Computational prediction tools and conservation analyses do not provide strong support for or against an impact to the protein. In summary, the clinical significance of this variant is uncertain. ACMG/AMP Criteria applied: PM2.

Natera, Inc.
Classification: Uncertain significance for Autosomal recessive deafness type 77. Last evaluated: 2021-05-17. Review status: no assertion criteria provided. Collection method: clinical testing. Allele origin: germline. Not counted in ClinVar's aggregate classification.

NM_001384474.1(LOXHD1):c.6716T>C (p.Val2239Ala)

Gene: LOXHD1 (lipoxygenase homology PLAT domains 1; minus strand). Cytogenetic location: 18q21.1.
Variant type: single nucleotide variant.
Coding change: c.6716T>C on transcript NM_001384474.1 (MANE Select); coding-DNA position 6716, T replaced by C.
Protein change: p.Val2239Ala; replaces valine 2239 with alanine.
Molecular consequence: missense variant. On other transcripts: intron variant (3).
Genome position (GRCh38, 1-based): chr18:46,477,578, A>G on the plus strand (T>C on the coding strand, the complement: LOXHD1 is on the minus strand). VCF-style: chr18-46477578-A-G. GRCh37 (hg19) VCF-style: chr18-44057541-A-G.
Other names: c.1433T>C, p.Val478Ala (NM_001145473.3); c.6530T>C, p.Val2177Ala (NM_144612.7); c.3307+76T>C (NM_001145472.3); c.3033+62T>C (NM_001308013.2); c.1371+62T>C (NM_001173129.2); short protein forms V2177A, V2239A, V478A.
Identifiers: ClinVar variation 1120127 (VCV001120127.5), dbSNP rs776112233, ClinGen allele CA299792197.